The following is an entry in ClinVar:

NM_007294.4(BRCA1):c.3564dup (p.Ser1189fs)

Genes: BRCA1 (BRCA1 DNA repair associated; minus strand), LOC126862571 (BRD4-independent group 4 enhancer GRCh37_chr17:41243136-41244335; plus strand). Cytogenetic location: 17q21.31.
Variant type: Duplication.
Coding change: c.3564dup on transcript NM_007294.4 (MANE Select); coding-DNA position 3564, one base duplicated (G; older notation c.3564dupG).
Protein change: p.Ser1189fs; shifts the reading frame from serine 1189.
Molecular consequence: frameshift variant. On other transcripts: intron variant (135).
Genome position (GRCh38, 1-based): chr17:43,091,967, C duplicated on the plus strand (G on the coding strand, the reverse complement: BRCA1 is on the minus strand); the first of 2 consecutive C bases (chr17:43,091,967-43,091,968); duplicating either gives the same sequence. VCF-style (leftmost placement, unchanged base first): chr17-43091966-T-TC. GRCh37 (hg19) VCF-style: chr17-41243983-T-TC.
Other names: 3683insG; c.3564dup, p.Ser1189fs (NM_007294.3, NM_001407581.1, NM_001407582.1 and 31 more transcripts); c.584-935dup (NM_001408475.1); c.710-935dup (NM_001408412.1, NM_001408409.1, NM_001408414.1 and 2 more transcripts); c.452-935dup (NM_001408509.1, NM_001408508.1); c.575-935dup (NM_001408491.1, NM_001408493.1, NM_001408490.1); c.461-935dup (NM_001408506.1, NM_001408507.1); c.578-935dup (NM_001408481.1, NM_001408480.1, NM_001408492.1 and 9 more transcripts); and 42 more; short protein forms S1142fs, S1189fs, S1061fs, S1119fs, S1121fs, S1162fs, S1186fs, S1078fs.
Identifiers: ClinVar variation 266384 (VCV000266384.7), dbSNP rs886040143, ClinGen allele CA10589740.

ClinVar aggregate classification (germline): Pathogenic. Review status: reviewed by expert panel (3 of 4 stars). 2 submissions from 2 submitters: Pathogenic (1). 1 of the submissions does not count toward it. Last evaluated 2016-10-18.

Conditions:
Breast-ovarian cancer, familial, susceptibility to, 1 (BROVCA1). Also called: BRCA1 Hereditary Breast and Ovarian Cancer; OVARIAN CANCER, SUSCEPTIBILITY TO. Identifiers: Orphanet 145, MedGen C2676676, MONDO:0011450, OMIM 604370. Disease mechanism: loss of function.

Submissions (2):

Evidence-based Network for the Interpretation of Germline Mutant Alleles (ENIGMA)
Classification: Pathogenic for Breast-ovarian cancer, familial, susceptibility to, 1. Last evaluated: 2016-10-18. Review status: reviewed by expert panel. Criteria: ENIGMA BRCA1/2 Classification Criteria (2015). Collection method: curation. Allele origin: germline.
Comment: Variant allele predicted to encode a truncated non-functional protein.

Consortium of Investigators of Modifiers of BRCA1/2 (CIMBA), c/o University of Cambridge
Classification: Pathogenic for Breast-ovarian cancer, familial, susceptibility to, 1. Last evaluated: 2015-10-02. Review status: criteria provided, single submitter. Criteria: CIMBA Mutation Classification guidelines May 2016. Collection method: clinical testing. Allele origin: germline. Not counted in ClinVar's aggregate classification.